The following is an entry in ClinVar:

ClinVar aggregate classification (germline): Uncertain significance (1 of 4 stars; one submission).

Conditions:
Wilson disease (WND). Also called: Wilson's disease. Identifiers: Orphanet 905, MedGen C0019202, MONDO:0010200, OMIM 277900. Disease mechanism: loss of function.

Submission:

All of Us Research Program, National Institutes of Health
Classification: Uncertain significance for Wilson disease. Last evaluated: 2024-04-16. Review status: criteria provided, single submitter. Criteria: ACMG Guidelines, 2015. Collection method: clinical testing. Allele origin: germline. Inheritance: Autosomal recessive inheritance. Observed: 1 variant allele, 1 heterozygote.
Comment: This missense variant replaces threonine with serine at codon 306 of the ATP7B protein. Computational prediction suggests that this variant may not impact protein structure and function (internally defined REVEL score threshold <= 0.5, PMID: 27666373). To our knowledge, functional studies have not been reported for this variant. This variant has not been reported in individuals affected with ATP7B-related disorders in the literature. This variant has not been identified in the general population by the Genome Aggregation Database (gnomAD). The available evidence is insufficient to determine the role of this variant in disease conclusively. Therefore, this variant is classified as a Variant of Uncertain Significance.

This study involves interpretation of variants in research participants for the purpose of population health screening. Participant phenotype was not available at the time of variant classification. Additional details can be found in publication PMID: 35346344, PMCID: PMC8962531

NM_000053.4(ATP7B):c.917C>G (p.Thr306Ser)

Gene: ATP7B (ATPase copper transporting beta; minus strand). Cytogenetic location: 13q14.3.
Variant type: single nucleotide variant.
Coding change: c.917C>G on transcript NM_000053.4 (MANE Select); coding-DNA position 917, C replaced by G.
Protein change: p.Thr306Ser; replaces threonine 306 with serine.
Molecular consequence: missense variant. On other transcripts: intron variant (2).
Genome position (GRCh38, 1-based): chr13:51,974,303, G>C on the plus strand (C>G on the coding strand, the complement: ATP7B is on the minus strand). VCF-style: chr13-51974303-G-C. GRCh37 (hg19) VCF-style: chr13-52548439-G-C.
Other names: c.917C>G, p.Thr306Ser (NM_001005918.3, NM_001330578.2, NM_001330579.2 and 29 more transcripts); c.821C>G, p.Thr274Ser (NM_001406517.1, NM_001406518.1, NM_001406543.1 and 3 more transcripts); c.802+115C>G (NM_001243182.2); c.706+115C>G (NM_001406539.1); short protein forms T274S, T306S.
Identifiers: ClinVar variation 3385749 (VCV003385749.1).